The following is an entry in ClinVar:

ClinVar aggregate classification (germline): Benign. Review status: reviewed by expert panel (3 of 4 stars). 2 submissions from 2 submitters: Benign (1). 1 of the submissions does not count toward it. Last evaluated 2016-09-28.

Conditions:
Breast-ovarian cancer, familial, susceptibility to, 1 (BROVCA1). Also called: BRCA1 Hereditary Breast and Ovarian Cancer; OVARIAN CANCER, SUSCEPTIBILITY TO. Identifiers: Orphanet 145, MedGen C2676676, MONDO:0011450, OMIM 604370. Disease mechanism: loss of function.

Submissions (2):

Evidence-based Network for the Interpretation of Germline Mutant Alleles (ENIGMA)
Classification: Benign for Breast-ovarian cancer, familial, susceptibility to, 1. Last evaluated: 2016-09-28. Review status: reviewed by expert panel. Criteria: ENIGMA BRCA1/2 Classification Criteria (2015). Collection method: curation. Allele origin: germline.
Comment: Class 1 not pathogenic based on frequency >1% in an outbred sampleset. Frequency 0.0386 (African), derived from 1000 genomes (2013-05-02).

GeneDx
Classification: Likely benign. Last evaluated: 2018-06-26. Review status: criteria provided, single submitter. Criteria: GeneDx Variant Classification Process June 2021. Collection method: clinical testing. Allele origin: germline. Affected: yes. Not counted in ClinVar's aggregate classification.

NM_007294.4(BRCA1):c.4185+201_4185+206dup

Gene: BRCA1 (BRCA1 DNA repair associated; minus strand). Cytogenetic location: 17q21.31.
Variant type: Duplication.
Coding change: c.4185+201_4185+206dup on transcript NM_007294.4 (MANE Select); bases 201 to 206 of the intron after coding-DNA position 4185, 6 bases duplicated (GCGCAC; older notation c.4185+201_4185+206dupGCGCAC).
Molecular consequence: intron variant.
Genome position (GRCh38, 1-based): chr17:43,090,738-43,090,743, GTGCGC duplicated on the plus strand (GCGCAC on the coding strand, the reverse complement: BRCA1 is on the minus strand); duplicating any 6 consecutive bases within chr17:43,090,738-43,090,746 gives the same sequence; the c. name uses the placement nearest the transcript's 3' end. VCF-style (leftmost placement, unchanged base first): chr17-43090737-T-TGTGCGC. GRCh37 (hg19) VCF-style: chr17-41242754-T-TGTGCGC.
Other names: IVS 12+206insGCGCAC; c.735+201_735+206dup (NM_001408458.1, NM_001408469.1, NM_001408453.1 and 11 more transcripts); c.3297+201_3297+206dup (NM_001407967.1, NM_001407966.1); c.3804+201_3804+206dup (NM_001407959.1, NM_001407963.1, NM_001407960.1); c.3918+201_3918+206dup (NM_001407931.1, NM_001407932.1, NM_001407934.1 and 2 more transcripts); c.4041+201_4041+206dup (NM_001407747.1, NM_001407848.1, NM_001407839.1 and 20 more transcripts); c.3801+201_3801+206dup (NM_001407962.1); c.372+201_372+206dup (NM_001408512.1); and 42 more.
Identifiers: ClinVar variation 264806 (VCV000264806.4), dbSNP rs138544133, ClinGen allele CA276414.